The following is an entry in ClinVar:

NM_001164508.2(NEB):c.19944+14A>T

Gene: NEB (nebulin; minus strand). Cytogenetic location: 2q23.3.
Variant type: single nucleotide variant.
Coding change: c.19944+14A>T on transcript NM_001164508.2 (MANE Select); 14 bases into the intron after coding-DNA position 19944, A replaced by T.
Molecular consequence: intron variant.
Genome position (GRCh38, 1-based): chr2:151,551,724, T>A on the plus strand (A>T on the coding strand, the complement: NEB is on the minus strand). VCF-style: chr2-151551724-T-A. GRCh37 (hg19) VCF-style: chr2-152408238-T-A.
Other names: c.14841+14A>T (NM_004543.5); c.19944+14A>T (NM_001164507.2, NM_001271208.2).
Identifiers: ClinVar variation 383697 (VCV000383697.10), dbSNP rs147106649, ClinGen allele CA1907491.
Genomic context (GRCh38, chr2:151,551,724, plus strand): 5'-GCAAGCTCAGCTTGCTTCCACAGAGGCTGATGGAACGGATTTCTGCTGGGCACTCTCAAG[T>A]TCTCACTGCTCACCGAACTCTGGAGCTTGTATGCATGAAGGGCCCGGTCCAGATCCACGG-3'

ClinVar aggregate classification (germline): Likely benign. Review status: criteria provided, multiple submitters, no conflicts (2 of 4 stars). 3 submissions from 3 submitters: Likely benign (3). Last evaluated 2026-01-18.

Conditions:
Nemaline myopathy 2 (NEM2). Also called: Nemaline myopathy 2, autosomal recessive. Identifiers: MedGen C1850569, MONDO:0009725, OMIM 256030.

Allele frequency attached by ClinVar (database versions not stated): ExAC 0.00008; gnomAD exomes 0.00010 and 0.00028; gnomAD 0.00011; 1000 Genomes Project 30x 0.00016; TOPMed 0.00017; 1000 Genomes Project 0.00020; ESP Exome Variant Server 0.00033.
gnomAD v4.1: 443 of 1,606,516 alleles (0.028%); highest among the groups gnomAD compares: Non-Finnish European, 0.034%; no homozygotes.

Submissions (3):

Labcorp Genetics (formerly Invitae), Labcorp
Classification: Likely benign for Nemaline myopathy 2. Last evaluated: 2026-01-18. Review status: criteria provided, single submitter. Criteria: Invitae Variant Classification Sherloc (09022015). Collection method: clinical testing. Allele origin: germline.

Blueprint Genetics
Classification: Likely benign. Last evaluated: 2024-11-13. Review status: criteria provided, single submitter. Criteria: ACMG Guidelines, 2015. Collection method: clinical testing. Allele origin: germline.

GeneDx
Classification: Likely benign. Last evaluated: 2016-03-07. Review status: criteria provided, single submitter. Criteria: GeneDx Variant Classification (06012015). Collection method: clinical testing. Allele origin: germline. Affected: yes.
Comment: This variant is considered likely benign or benign based on one or more of the following criteria: it is a conservative change, it occurs at a poorly conserved position in the protein, it is predicted to be benign by multiple in silico algorithms, and/or has population frequency not consistent with disease.